The following is an entry in ClinVar:

ClinVar aggregate classification (germline): Uncertain significance (1 of 4 stars; one submission).

Allele frequency attached by ClinVar (database versions not stated): TOPMed below 0.00001; gnomAD exomes 0.00003; ExAC 0.00010.

Submission:

Labcorp Genetics (formerly Invitae), Labcorp
Classification: Uncertain significance. Last evaluated: 2022-03-12. Review status: criteria provided, single submitter. Criteria: Invitae Variant Classification Sherloc (09022015). Collection method: clinical testing. Allele origin: germline.
Comment: This variant is present in population databases (rs766133863, gnomAD 0.004%). This variant has not been reported in the literature in individuals affected with NDUFA11-related conditions. Algorithms developed to predict the effect of missense changes on protein structure and function (SIFT, PolyPhen-2, Align-GVGD) all suggest that this variant is likely to be tolerated. In summary, the available evidence is currently insufficient to determine the role of this variant in disease. Therefore, it has been classified as a Variant of Uncertain Significance. This sequence change replaces threonine, which is neutral and polar, with isoleucine, which is neutral and non-polar, at codon 100 of the NDUFA11 protein (p.Thr100Ile).

NM_175614.5(NDUFA11):c.299C>T (p.Thr100Ile)

Gene: NDUFA11 (NADH:ubiquinone oxidoreductase subunit A11; minus strand). Cytogenetic location: 19p13.3.
Variant type: single nucleotide variant.
Coding change: c.299C>T on transcript NM_175614.5 (MANE Select); coding-DNA position 299, C replaced by T.
Protein change: p.Thr100Ile; replaces threonine 100 with isoleucine.
Molecular consequence: missense variant. On other transcripts: non-coding transcript variant (1).
Genome position (GRCh38, 1-based): chr19:5,896,467, G>A on the plus strand (C>T on the coding strand, the complement: NDUFA11 is on the minus strand). VCF-style: chr19-5896467-G-A. GRCh37 (hg19) VCF-style: chr19-5896478-G-A.
Other names: c.299C>T, p.Thr100Ile (NM_001193375.3); short protein forms T100I.
Identifiers: ClinVar variation 1923994 (VCV001923994.5), dbSNP rs766133863, ClinGen allele CA9118951.